The following is an entry in ClinVar:

ClinVar aggregate classification (germline): Benign (1 of 4 stars; one submission).

Conditions:
Hirschsprung disease, susceptibility to, 4. Identifiers: Orphanet 388, MedGen C3150975, MONDO:0013384, OMIM 613712.

Allele frequency attached by ClinVar (database versions not stated): gnomAD 0.01535 and 0.01630; TOPMed 0.01674; 1000 Genomes Project 0.01757; 1000 Genomes Project 30x 0.01827.

Submission:

Illumina Laboratory Services, Illumina
Classification: Benign for Hirschsprung disease, susceptibility to, 4. Last evaluated: 2018-01-13. Review status: criteria provided, single submitter. Criteria: ICSL Variant Classification Criteria 13 December 2019. Collection method: clinical testing. Allele origin: germline.
Comment: This variant was observed in the ICSL laboratory as part of a predisposition screen in an ostensibly healthy population. It had not been previously curated by ICSL or reported in the Human Gene Mutation Database (HGMD: prior to June 1st, 2018), and was therefore a candidate for classification through an automated scoring system. Utilizing variant allele frequency, disease prevalence and penetrance estimates, and inheritance mode, an automated score was calculated to assess if this variant is too frequent to cause the disease. Based on the score and internal cut-off values, a variant classified as benign is not then subjected to further curation. The score for this variant resulted in a classification of benign for this disease.

NM_207034.3(EDN3):c.*957C>T

Gene: EDN3 (endothelin 3; plus strand). Cytogenetic location: 20q13.32.
Variant type: single nucleotide variant.
Coding change: c.*957C>T on transcript NM_207034.3 (MANE Select); 957 bases downstream of the stop codon, C replaced by T.
Molecular consequence: 3 prime UTR variant.
Genome position (GRCh38, 1-based): chr20:59,325,416, C>T. VCF-style: chr20-59325416-C-T. GRCh37 (hg19) VCF-style: chr20-57900471-C-T.
Other names: c.*1081C>T (NM_001302455.2); c.*1049C>T (NM_001302456.2, NM_207032.3); c.*957C>T (NM_207033.3).
Identifiers: ClinVar variation 339154 (VCV000339154.5), dbSNP rs3026572, ClinGen allele CA10652734.